The following is an entry in ClinVar:

ClinVar aggregate classification (germline): Uncertain significance (1 of 4 stars; one submission).

Allele frequency attached by ClinVar (database versions not stated): TOPMed below 0.00001.

Submission:

Labcorp Genetics (formerly Invitae), Labcorp
Classification: Uncertain significance. Last evaluated: 2022-02-22. Review status: criteria provided, single submitter. Criteria: Invitae Variant Classification Sherloc (09022015). Collection method: clinical testing. Allele origin: germline.
Comment: This variant has not been reported in the literature in individuals affected with PLCE1-related conditions. In summary, the available evidence is currently insufficient to determine the role of this variant in disease. Therefore, it has been classified as a Variant of Uncertain Significance. Algorithms developed to predict the effect of missense changes on protein structure and function (SIFT, PolyPhen-2, Align-GVGD) all suggest that this variant is likely to be tolerated. This variant is not present in population databases (gnomAD no frequency). This sequence change replaces glutamic acid, which is acidic and polar, with aspartic acid, which is acidic and polar, at codon 764 of the PLCE1 protein (p.Glu764Asp).

NM_016341.4(PLCE1):c.2292G>C (p.Glu764Asp)

Gene: PLCE1 (phospholipase C epsilon 1; plus strand). Cytogenetic location: 10q23.33.
Variant type: single nucleotide variant.
Coding change: c.2292G>C on transcript NM_016341.4 (MANE Select); coding-DNA position 2292, G replaced by C.
Protein change: p.Glu764Asp; replaces glutamic acid 764 with aspartic acid.
Molecular consequence: missense variant.
Genome position (GRCh38, 1-based): chr10:94,235,992, G>C. VCF-style: chr10-94235992-G-C. GRCh37 (hg19) VCF-style: chr10-95995749-G-C.
Other names: c.1368G>C, p.Glu456Asp (NM_001165979.2); c.2292G>C, p.Glu764Asp (NM_001288989.2); short protein forms E764D, E456D.
Identifiers: ClinVar variation 2101838 (VCV002101838.4), dbSNP rs1170242242, ClinGen allele CA377639558.